The following is an entry in ClinVar:

NM_000059.4(BRCA2):c.4658C>G (p.Thr1553Ser)

Gene: BRCA2 (BRCA2 DNA repair associated; plus strand). Cytogenetic location: 13q13.1.
Variant type: single nucleotide variant.
Coding change: c.4658C>G on transcript NM_000059.4 (MANE Select); coding-DNA position 4658, C replaced by G.
Protein change: p.Thr1553Ser; replaces threonine 1553 with serine.
Molecular consequence: missense variant.
Genome position (GRCh38, 1-based): chr13:32,339,013, C>G. VCF-style: chr13-32339013-C-G. GRCh37 (hg19) VCF-style: chr13-32913150-C-G.
Other names: c.4658C>G, p.Thr1553Ser (NM_001406719.1, NM_001406720.1); short protein forms T1553S.
Identifiers: ClinVar variation 1742216 (VCV001742216.4), dbSNP rs80358697, ClinGen allele CA6940804.

ClinVar aggregate classification (germline): Conflicting classifications of pathogenicity. Review status: criteria provided, conflicting classifications (1 of 4 stars). 2 submissions from 2 submitters: Uncertain significance (1); Likely benign (1). Last evaluated 2023-03-23.

Conditions:
Hereditary cancer-predisposing syndrome. Also called: Hereditary Cancer Syndrome; Hereditary neoplastic syndrome; Neoplastic Syndromes, Hereditary; Tumor predisposition. Identifiers: Orphanet 140162, MedGen C0027672, MeSH D009386, MONDO:0015356.

Allele frequency attached by ClinVar (database versions not stated): ExAC 0.00001.
gnomAD v4.1: 1 of 1,613,924 alleles (0.000062%); highest among the groups gnomAD compares: Non-Finnish European, 0.000085%; no homozygotes.

Submissions (2):

University of Washington Department of Laboratory Medicine, University of Washington
Classification: Likely benign for Hereditary cancer-predisposing syndrome. Last evaluated: 2023-03-23. Review status: criteria provided, single submitter. Criteria: Dines et al. (Genet Med. 2020). Collection method: curation. Allele origin: germline.
Comment: Missense variant in a coldspot region where missense variants are very unlikely to be pathogenic (PMID:31911673).

BRCA2 exon 11 coldspot. Reclassification based on statistical prior probability.

Ambry Genetics
Classification: Uncertain significance for Hereditary cancer-predisposing syndrome. Last evaluated: 2022-02-15. Review status: criteria provided, single submitter. Criteria: Ambry Variant Classification Scheme 2023. Collection method: clinical testing. Allele origin: germline.
Comment: The p.T1553S variant (also known as c.4658C>G), located in coding exon 10 of the BRCA2 gene, results from a C to G substitution at nucleotide position 4658. The threonine at codon 1553 is replaced by serine, an amino acid with similar properties. This amino acid position is conserved. In addition, this alteration is predicted to be tolerated by in silico analysis. Since supporting evidence is limited at this time, the clinical significance of this alteration remains unclear.